The following is an entry in ClinVar:

ClinVar aggregate classification (germline): Uncertain significance (1 of 4 stars; one submission).

Conditions:
Long QT syndrome 2 (LQT2). Identifiers: Orphanet 101016, Orphanet 768, MedGen C3150943, MONDO:0013367, OMIM 613688.

Submission:

Victorian Clinical Genetics Services, Murdoch Childrens Research Institute
Classification: Uncertain significance for Long QT syndrome 2. Last evaluated: 2026-04-13. Review status: criteria provided, single submitter. Criteria: ACMG Guidelines, 2015. Collection method: clinical testing. Allele origin: germline. Affected: yes.
Comment: This variant is classified as VUS-3A. Evidence in support of pathogenic classification: Variant is absent from gnomAD (v2, v3 and v4); Missense variant predicted to be damaging by in silico tool(s) or highly conserved with a major amino acid change. Additional information: Variant is predicted to result in a missense amino acid change from Leu to Pro; This variant is heterozygous; This gene is associated with autosomal dominant disease; This variant has no previous evidence of pathogenicity; No published evidence of segregation with disease has been identified for this variant; No published functional evidence has been identified for this variant; Another missense variant comparable to the one identified in this case has inconclusive previous evidence for pathogenicity. p.(Leu697His) has been observed in two individuals in long QT cohorts (PMID: 32383558, 32893267). Additionally, patch clamp studies support pathogenicity (PMID: 38219013); Variant is not located in an established domain, motif, hotspot or informative constraint region; Dominant negative and loss of function are known mechanisms of disease in this gene and are associated with long QT syndrome 2 (MIM#613688). Gain of function is also a known disease mechanism associated with short QT syndrome 1 (MIM#609620) (OMIM, PMID: 10753933; PMID: 21777565); The condition associated with this gene has incomplete penetrance (PMID: 20301308).

Literature cited by the submitters: PubMed 21777565; PubMed 32893267; PubMed 10753933; PubMed 32383558; PubMed 38219013; PubMed 20301308.

NM_000238.4(KCNH2):c.2090T>C (p.Leu697Pro)

Gene: KCNH2 (potassium voltage-gated channel subfamily H member 2; minus strand). Cytogenetic location: 7q36.1.
Variant type: single nucleotide variant.
Coding change: c.2090T>C on transcript NM_000238.4 (MANE Select); coding-DNA position 2090, T replaced by C.
Protein change: p.Leu697Pro; replaces leucine 697 with proline.
Molecular consequence: missense variant. On other transcripts: non-coding transcript variant (2).
Genome position (GRCh38, 1-based): chr7:150,950,976, A>G on the plus strand (T>C on the coding strand, the complement: KCNH2 is on the minus strand). VCF-style: chr7-150950976-A-G. GRCh37 (hg19) VCF-style: chr7-150648064-A-G.
Other names: c.1070T>C, p.Leu357Pro (NM_001204798.2, NM_172057.3); c.1802T>C, p.Leu601Pro (NM_001406753.1, NM_001406756.1); c.1913T>C, p.Leu638Pro (NM_001406755.1); c.1790T>C, p.Leu597Pro (NM_001406757.1); c.2090T>C, p.Leu697Pro (NM_172056.3); short protein forms L357P, L597P, L601P, L638P, L697P.
Identifiers: ClinVar variation 4819023 (VCV004819023.2).